The following is an entry in ClinVar:

ClinVar aggregate classification (germline): Uncertain significance. Review status: criteria provided, multiple submitters, no conflicts (2 of 4 stars). 6 submissions from 6 submitters: Uncertain significance (6). Last evaluated 2025-08-01.

Conditions:
Hereditary cancer-predisposing syndrome. Also called: Neoplastic Syndromes, Hereditary; Hereditary neoplastic syndrome; Tumor predisposition; Hereditary Cancer Syndrome. Identifiers: Orphanet 140162, MedGen C0027672, MeSH D009386, MONDO:0015356.
Familial cancer of breast. Also called: hereditary breast carcinoma; Hereditary breast cancer; BREAST CANCER, FAMILIAL. Identifiers: Orphanet 227535, MedGen C0346153, MONDO:0016419, OMIM 114480. Disease mechanism: loss of function.
Ataxia-telangiectasia syndrome (AT). Also called: Ataxia telangiectasia (A-T); Cerebello-oculocutaneous telangiectasia; Immunodeficiency with ataxia telangiectasia; LOUIS-BAR SYNDROME; AT, COMPLEMENTATION GROUP C; ATAXIA-TELANGIECTASIA, FRESNO VARIANT. Identifiers: Orphanet 100, MedGen C0004135, MONDO:0008840, OMIM 208900.

Allele frequency attached by ClinVar (database versions not stated): gnomAD 0.00001; TOPMed below 0.00001.
gnomAD v4.1: 1 of 1,611,678 alleles (0.000062%); highest among the groups gnomAD compares: Non-Finnish European, 0.000085%; no homozygotes.

Submissions (6):

CeGaT Center for Human Genetics Tuebingen
Classification: Uncertain significance. Last evaluated: 2025-08-01. Review status: criteria provided, single submitter. Criteria: CeGaT Center For Human Genetics Tuebingen Variant Classification Criteria Version 2. Collection method: clinical testing. Allele origin: germline. Affected: yes. Observed: 1 variant allele.
Comment: ATM: PM2, PP3

Labcorp Genetics (formerly Invitae), Labcorp
Classification: Uncertain significance for Ataxia-telangiectasia syndrome. Last evaluated: 2024-11-14. Review status: criteria provided, single submitter. Criteria: Invitae Variant Classification Sherloc (09022015). Collection method: clinical testing. Allele origin: germline.
Comment: This sequence change replaces asparagine, which is neutral and polar, with threonine, which is neutral and polar, at codon 2875 of the ATM protein (p.Asn2875Thr). This variant is not present in population databases (gnomAD no frequency). This variant has not been reported in the literature in individuals affected with ATM-related conditions. ClinVar contains an entry for this variant (Variation ID: 233477). Invitae Evidence Modeling of protein sequence and biophysical properties (such as structural, functional, and spatial information, amino acid conservation, physicochemical variation, residue mobility, and thermodynamic stability) indicates that this missense variant is expected to disrupt ATM protein function with a positive predictive value of 95%. In summary, the available evidence is currently insufficient to determine the role of this variant in disease. Therefore, it has been classified as a Variant of Uncertain Significance.

Fulgent Genetics
Classification: Uncertain significance for Familial cancer of breast; Ataxia-telangiectasia syndrome. Last evaluated: 2024-06-05. Review status: criteria provided, single submitter. Criteria: ACMG Guidelines, 2015. Collection method: clinical testing. Allele origin: germline.

Ambry Genetics
Classification: Uncertain significance for Hereditary cancer-predisposing syndrome. Last evaluated: 2024-01-14. Review status: criteria provided, single submitter. Criteria: Ambry Variant Classification Scheme 2023. Collection method: clinical testing. Allele origin: germline.
Comment: The p.N2875T variant (also known as c.8624A>C), located in coding exon 58 of the ATM gene, results from an A to C substitution at nucleotide position 8624. The asparagine at codon 2875 is replaced by threonine, an amino acid with similar properties. This amino acid position is highly conserved in available vertebrate species. In addition, this alteration is predicted to be deleterious by in silico analysis. Since supporting evidence is limited at this time, the clinical significance of this alteration remains unclear.

St. Jude Molecular Pathology, St. Jude Children's Research Hospital
Classification: Uncertain significance for Ataxia-telangiectasia syndrome. Last evaluated: 2022-05-16. Review status: criteria provided, single submitter. Criteria: St. Jude Assertion Criteria 2020. Collection method: clinical testing. Allele origin: germline.
Comment: The ATM c.8624A>C (p.Asn2875Thr) missense change has a maximum subpopulation frequency of 0.00089% in gnomAD v2.1.1 (PM2_supporting). The in silico tool REVEL predicts a damaging effect of this variant on protein function (PP3), but to our knowledge functional assays have not been performed. This variant has been reported in individuals with breast cancer (PMID: 30303537) and colorectal cancer (PMID: 30730459). This variant has also been observed with a pathogenic variant in an individual with ataxia telangiectasia, however it is not known whether the variants occurred on the same (in cis) or on different (in trans) chromosomes (PMID: 19440741). In summary, this variant meets criteria to be classified as of uncertain significance based on the ACMG/AMP criteria, as specified by the ClinGen Hereditary Breast, Ovarian and Pancreatic Cancer Variant Curation Expert Panel: PM2_supporting, PP3.

Color Diagnostics, LLC DBA Color Health
Classification: Uncertain significance for Hereditary cancer-predisposing syndrome. Last evaluated: 2021-09-16. Review status: criteria provided, single submitter. Criteria: ACMG Guidelines, 2015. Collection method: clinical testing. Allele origin: germline.
Comment: This missense variant replaces asparagine with threonine at codon 2875 of the ATM protein. Computational prediction suggests that this variant may have deleterious impact on protein structure and function (internally defined REVEL score threshold >= 0.7, PMID: 27666373). To our knowledge, functional studies have not been reported for this variant. This variant has not been reported in individuals affected with hereditary cancer in the literature. This variant has not been identified in the general population by the Genome Aggregation Database (gnomAD). The available evidence is insufficient to determine the role of this variant in disease conclusively. Therefore, this variant is classified as a Variant of Uncertain Significance.

NM_000051.4(ATM):c.8624A>C (p.Asn2875Thr)

Genes: ATM (ATM serine/threonine kinase; plus strand), C11orf65 (chromosome 11 open reading frame 65; minus strand). Cytogenetic location: 11q22.3.
Variant type: single nucleotide variant.
Coding change: c.8624A>C on transcript NM_000051.4 (MANE Select); coding-DNA position 8624, A replaced by C.
Protein change: p.Asn2875Thr; replaces asparagine 2875 with threonine.
Molecular consequence: missense variant. On other transcripts: intron variant (2).
Genome position (GRCh38, 1-based): chr11:108,347,318, A>C. VCF-style: chr11-108347318-A-C. GRCh37 (hg19) VCF-style: chr11-108218045-A-C.
Other names: c.8624A>C, p.Asn2875Thr (NM_001351834.2); c.641-38247T>G (NM_001330368.2); c.695-12026T>G (NM_001351110.2); short protein forms N2875T.
Identifiers: ClinVar variation 233477 (VCV000233477.27), dbSNP rs587782451, ClinGen allele CA10579309.